The following is an entry in ClinVar:

NM_018297.4(NGLY1):c.665A>G (p.Asn222Ser)

Gene: NGLY1 (N-glycanase 1; minus strand). Cytogenetic location: 3p24.2.
Variant type: single nucleotide variant.
Coding change: c.665A>G on transcript NM_018297.4 (MANE Select); coding-DNA position 665, A replaced by G.
Protein change: p.Asn222Ser; replaces asparagine 222 with serine.
Molecular consequence: missense variant.
Genome position (GRCh38, 1-based): chr3:25,739,793, T>C on the plus strand (A>G on the coding strand, the complement: NGLY1 is on the minus strand). VCF-style: chr3-25739793-T-C. GRCh37 (hg19) VCF-style: chr3-25781284-T-C.
Other names: c.665A>G, p.Asn222Ser (NM_001145293.2, NM_001145295.2); c.539A>G, p.Asn180Ser (NM_001145294.2); short protein forms N180S, N222S.
Identifiers: ClinVar variation 2140864 (VCV002140864.2), dbSNP rs755705306, ClinGen allele CA2289402.

ClinVar aggregate classification (germline): Uncertain significance (1 of 4 stars; one submission).

Conditions:
Congenital disorder of deglycosylation (CDDG). Identifiers: MedGen C3808991, MONDO:0031376.

Allele frequency attached by ClinVar (database versions not stated): ExAC 0.00001; TOPMed 0.00001; gnomAD exomes 0.00002.
gnomAD v4.1: 25 of 1,612,818 alleles (0.0016%); highest among the groups gnomAD compares: East Asian, 0.02%; no homozygotes.

Submission:

Labcorp Genetics (formerly Invitae), Labcorp
Classification: Uncertain significance for Congenital disorder of deglycosylation. Last evaluated: 2023-12-22. Review status: criteria provided, single submitter. Criteria: Invitae Variant Classification Sherloc (09022015). Collection method: clinical testing. Allele origin: germline.
Comment: This sequence change replaces asparagine, which is neutral and polar, with serine, which is neutral and polar, at codon 222 of the NGLY1 protein (p.Asn222Ser). This variant is present in population databases (rs755705306, gnomAD 0.01%). This variant has not been reported in the literature in individuals affected with NGLY1-related conditions. ClinVar contains an entry for this variant (Variation ID: 2140864). Advanced modeling of protein sequence and biophysical properties (such as structural, functional, and spatial information, amino acid conservation, physicochemical variation, residue mobility, and thermodynamic stability) performed at Invitae indicates that this missense variant is not expected to disrupt NGLY1 protein function with a negative predictive value of 80%. In summary, the available evidence is currently insufficient to determine the role of this variant in disease. Therefore, it has been classified as a Variant of Uncertain Significance.